The following is an entry in ClinVar:

ClinVar aggregate classification (germline): Conflicting classifications of pathogenicity. Review status: criteria provided, conflicting classifications (1 of 4 stars). 5 submissions from 5 submitters: Uncertain significance (4); Likely benign (1). Last evaluated 2025-11-05.

Conditions:
Hereditary cancer-predisposing syndrome. Also called: Neoplastic Syndromes, Hereditary; Tumor predisposition; Hereditary Cancer Syndrome; Hereditary neoplastic syndrome. Identifiers: Orphanet 140162, MedGen C0027672, MeSH D009386, MONDO:0015356.
Hereditary breast ovarian cancer syndrome. Also called: Breast and ovarian cancer; Hereditary breast and ovarian cancer; Hereditary breast and/or ovarian cancer syndrome; BRCA1- and BRCA2-Associated Hereditary Breast and Ovarian Cancer; Hereditary breast and ovarian cancer syndrome; Hereditary breast and ovarian cancer syndrome (HBOC). Identifiers: Orphanet 145, MedGen C0677776, MeSH D061325, MONDO:0003582. Disease mechanism: loss of function.

Submissions (5):

Labcorp Genetics (formerly Invitae), Labcorp
Classification: Uncertain significance for Hereditary breast ovarian cancer syndrome. Last evaluated: 2025-11-05. Review status: criteria provided, single submitter. Criteria: Invitae Variant Classification Sherloc (09022015). Collection method: clinical testing. Allele origin: germline.
Comment: This sequence change replaces aspartic acid, which is acidic and polar, with valine, which is neutral and non-polar, at codon 366 of the BRCA1 protein (p.Asp366Val). This variant is not present in population databases (gnomAD no frequency). This variant has not been reported in the literature in individuals affected with BRCA1-related conditions. ClinVar contains an entry for this variant (Variation ID: 141466). Invitae Evidence Modeling of protein sequence and biophysical properties (such as structural, functional, and spatial information, amino acid conservation, physicochemical variation, residue mobility, and thermodynamic stability) indicates that this missense variant is expected to disrupt BRCA1 protein function with a positive predictive value of 80%. In summary, the available evidence is currently insufficient to determine the role of this variant in disease. Therefore, it has been classified as a Variant of Uncertain Significance.

Ambry Genetics
Classification: Uncertain significance for Hereditary cancer-predisposing syndrome. Last evaluated: 2025-06-02. Review status: criteria provided, single submitter. Criteria: Ambry Variant Classification Scheme 2023. Collection method: clinical testing. Allele origin: germline.
Comment: The p.D366V variant (also known as c.1097A>T), located in coding exon 9 of the BRCA1 gene, results from an A to T substitution at nucleotide position 1097. The aspartic acid at codon 366 is replaced by valine, an amino acid with highly dissimilar properties. This amino acid position is not well conserved in available vertebrate species. In addition, the in silico prediction for this alteration is inconclusive. Since supporting evidence is limited at this time, the clinical significance of this alteration remains unclear.

Quest Diagnostics Nichols Institute San Juan Capistrano
Classification: Uncertain significance. Last evaluated: 2025-03-16. Review status: criteria provided, single submitter. Criteria: Quest Diagnostics criteria. Collection method: clinical testing. Allele origin: unknown.
Comment: The BRCA1 c.1097A>T (p.Asp366Val) variant has been reported to be located in a region of the BRCA1 gene that is tolerant to missense sequence changes (PMID: 31911673 (2020)). To the best of our knowledge, this variant has not been reported in individuals with BRCA1-related disorders. It also has not been reported in large, multi-ethnic general populations (Genome Aggregation Database). Analysis of this variant using bioinformatics tools for the prediction of the effect of amino acid changes on protein structure and function yielded predictions that this variant is damaging. Based on the available information, we are unable to determine the clinical significance of this variant.

Color Diagnostics, LLC DBA Color Health
Classification: Uncertain significance for Hereditary cancer-predisposing syndrome. Last evaluated: 2023-07-07. Review status: criteria provided, single submitter. Criteria: ACMG Guidelines, 2015. Collection method: clinical testing. Allele origin: germline.
Comment: This missense variant replaces aspartic acid with valine at codon 366 of the BRCA1 protein. Computational prediction suggests that this variant may not impact protein structure and function (internally defined REVEL score threshold <= 0.5, PMID: 27666373). To our knowledge, functional studies have not been reported for this variant. This variant has not been reported in individuals affected with BRCA1-related disorders in the literature. This variant has not been identified in the general population by the Genome Aggregation Database (gnomAD). The available evidence is insufficient to determine the role of this variant in disease conclusively. Therefore, this variant is classified as a Variant of Uncertain Significance.

University of Washington Department of Laboratory Medicine, University of Washington
Classification: Likely benign for Hereditary cancer-predisposing syndrome. Last evaluated: 2023-03-23. Review status: criteria provided, single submitter. Criteria: Dines et al. (Genet Med. 2020). Collection method: curation. Allele origin: germline.
Comment: Missense variant in a coldspot region where missense variants are very unlikely to be pathogenic (PMID:31911673).

BRCA1 coldspot (exon 11 using historical exon numbering). Reclassification based on statistical prior probability

Literature cited by the submitters: PubMed 35729312 (cited by Quest Diagnostics Nichols Institute San Juan Capistrano); PubMed 33087888 (cited by Quest Diagnostics Nichols Institute San Juan Capistrano); PubMed 32377563 (cited by Quest Diagnostics Nichols Institute San Juan Capistrano); PubMed 31853058 (cited by Quest Diagnostics Nichols Institute San Juan Capistrano); PubMed 31911673 (cited by Quest Diagnostics Nichols Institute San Juan Capistrano); PubMed 30702160 (cited by Quest Diagnostics Nichols Institute San Juan Capistrano); PubMed 36922933 (cited by Quest Diagnostics Nichols Institute San Juan Capistrano); PubMed 29884841 (cited by Quest Diagnostics Nichols Institute San Juan Capistrano).

NM_007294.4(BRCA1):c.1097A>T (p.Asp366Val)

Gene: BRCA1 (BRCA1 DNA repair associated; minus strand). Cytogenetic location: 17q21.31.
Variant type: single nucleotide variant.
Coding change: c.1097A>T on transcript NM_007294.4 (MANE Select); coding-DNA position 1097, A replaced by T.
Protein change: p.Asp366Val; replaces aspartic acid 366 with valine.
Molecular consequence: missense variant. On other transcripts: intron variant (137).
Genome position (GRCh38, 1-based): chr17:43,094,434, T>A on the plus strand (A>T on the coding strand, the complement: BRCA1 is on the minus strand). VCF-style: chr17-43094434-T-A. GRCh37 (hg19) VCF-style: chr17-41246451-T-A.
Other names: c.1097A>T, p.Asp366Val (NM_001407624.1, NM_001407625.1, NM_001407626.1 and 30 more transcripts); c.893A>T, p.Asp298Val (NM_001407874.1, NM_001407875.1); c.577+310A>T (NM_001408479.1, NM_001408481.1, NM_001408480.1 and 9 more transcripts); c.661+310A>T (NM_001408445.1, NM_001408432.1, NM_001408446.1 and 6 more transcripts); c.664+310A>T (NM_001408425.1, NM_001408443.1, NM_001408439.1 and 12 more transcripts); c.670+1412A>T (NM_001408419.1, NM_001408423.1, NM_001408420.1 and 2 more transcripts); c.787+310A>T (NM_001408403.1, NM_001407980.1, NM_001407993.1 and 19 more transcripts); c.667+1412A>T (NM_001408431.1, NM_001408424.1, NM_001408421.1); and 40 more; short protein forms D366V, D319V, D296V, D340V, D198V, D255V, D298V, D325V.
Identifiers: ClinVar variation 141466 (VCV000141466.19), dbSNP rs587781769, ClinGen allele CA000733.